The following is an entry in ClinVar:

NM_000350.3(ABCA4):c.2588-1G>A

Gene: ABCA4 (ATP binding cassette subfamily A member 4; minus strand). Cytogenetic location: 1p22.1.
Variant type: single nucleotide variant.
Coding change: c.2588-1G>A on transcript NM_000350.3 (MANE Select); the canonical splice acceptor site of the intron before coding-DNA position 2588, G replaced by A.
Molecular consequence: splice acceptor variant.
Genome position (GRCh38, 1-based): chr1:94,051,699, C>T on the plus strand (G>A on the coding strand, the complement: ABCA4 is on the minus strand). VCF-style: chr1-94051699-C-T. GRCh37 (hg19) VCF-style: chr1-94517255-C-T.
Other names: c.2366-1G>A (NM_001425324.1).
Identifiers: ClinVar variation 3605290 (VCV003605290.2).
Genomic context (GRCh38, chr1:94,051,699, plus strand): 5'-CGCCAAGCCAATACGACTCTTGTAGAAGAAAGTACCAAGGAAGTGGGGTTCCATAGTCTC[C>T]TAAAAATAGAGACAAATAAACAGAGAAAGTCGAAGGAGTCTCCCTATCCTACCTTACCGC-3'

ClinVar aggregate classification (germline): Likely pathogenic. Review status: criteria provided, multiple submitters, no conflicts (2 of 4 stars). 2 submissions from 2 submitters: Likely pathogenic (2). Last evaluated 2024-02-26.

Conditions:
Severe early-childhood-onset retinal dystrophy (STGD1). Also called: STGD; Stargardt macular dystrophy; Juvenile onset macular degeneration; Stargardt disease 1; MACULAR DYSTROPHY WITH FLECKS, TYPE 1. Identifiers: Orphanet 364055, Orphanet 827, MedGen C1855465, MeSH D000080362, MONDO:0009549, OMIM 248200.

Submissions (2):

Labcorp Genetics (formerly Invitae), Labcorp
Classification: Likely pathogenic. Last evaluated: 2024-02-26. Review status: criteria provided, single submitter. Criteria: Invitae Variant Classification Sherloc (09022015). Collection method: clinical testing. Allele origin: germline.
Comment: This sequence change affects an acceptor splice site in intron 16 of the ABCA4 gene. It is expected to disrupt RNA splicing. Variants that disrupt the donor or acceptor splice site typically lead to a loss of protein function (PMID: 16199547), and loss-of-function variants in ABCA4 are known to be pathogenic (PMID: 10958761, 24938718, 25312043, 26780318). This variant is not present in population databases (gnomAD no frequency). This variant has not been reported in the literature in individuals affected with ABCA4-related conditions. Algorithms developed to predict the effect of sequence changes on RNA splicing suggest that this variant may disrupt the consensus splice site. In summary, the currently available evidence indicates that the variant is pathogenic, but additional data are needed to prove that conclusively. Therefore, this variant has been classified as Likely Pathogenic.

Neuberg Centre For Genomic Medicine, NCGM
Classification: Likely pathogenic for Severe early-childhood-onset retinal dystrophy. Review status: criteria provided, single submitter. Criteria: ACMG Guidelines, 2015. Collection method: clinical testing. Allele origin: germline. Inheritance: Autosomal recessive inheritance. Affected: yes.

Literature cited by the submitters: PubMed 16199547 (cited by Labcorp Genetics (formerly Invitae), Labcorp); PubMed 10958761 (cited by Labcorp Genetics (formerly Invitae), Labcorp); PubMed 24938718 (cited by Labcorp Genetics (formerly Invitae), Labcorp); PubMed 25312043 (cited by Labcorp Genetics (formerly Invitae), Labcorp); PubMed 26780318 (cited by Labcorp Genetics (formerly Invitae), Labcorp).